The following is an entry in ClinVar:

ClinVar aggregate classification (germline): Pathogenic/Likely pathogenic. Review status: criteria provided, multiple submitters, no conflicts (2 of 4 stars). 5 submissions from 5 submitters: Pathogenic (3); Likely pathogenic (1). 1 of the submissions does not count toward it. Last evaluated 2025-10-22.

Conditions:
ABCC2-related disorder. Also called: ABCC2-related condition.
Dubin-Johnson syndrome (DJS). Also called: Jaundice, Chronic Idiopathic; Hyperbilirubinemia type 2; HYPERBILIRUBINEMIA, DUBIN-JOHNSON TYPE. Identifiers: Orphanet 234, MedGen C0022350, MONDO:0009380, OMIM 237500.

Allele frequency attached by ClinVar (database versions not stated): TOPMed 0.00002.
gnomAD v4.1: 150 of 1,614,036 alleles (0.0093%); highest among the groups gnomAD compares: Non-Finnish European, 0.012%; no homozygotes.

Submissions (5):

Labcorp Genetics (formerly Invitae), Labcorp
Classification: Likely pathogenic. Last evaluated: 2025-10-22. Review status: criteria provided, single submitter. Criteria: Invitae Variant Classification Sherloc (09022015). Collection method: clinical testing. Allele origin: germline.
Comment: This sequence change affects a donor splice site in intron 26 of the ABCC2 gene. It is expected to disrupt RNA splicing. Variants that disrupt the donor or acceptor splice site typically lead to a loss of protein function (PMID: 16199547), and loss-of-function variants in ABCC2 are known to be pathogenic (PMID: 9185779, 16549534, 16952291). This variant is present in population databases (rs34937870, gnomAD 0.01%). Disruption of this splice site has been observed in individual(s) with Dubin-Johnson syndrome (PMID: 31544333). ClinVar contains an entry for this variant (Variation ID: 595090). Algorithms developed to predict the effect of sequence changes on RNA splicing suggest that this variant may disrupt the consensus splice site. In summary, the currently available evidence indicates that the variant is pathogenic, but additional data are needed to prove that conclusively. Therefore, this variant has been classified as Likely Pathogenic.

Mayo Clinic Laboratories, Mayo Clinic
Classification: Pathogenic. Last evaluated: 2025-01-02. Review status: criteria provided, single submitter. Criteria: ACMG Guidelines, 2015. Collection method: clinical testing. Allele origin: germline. Observed: 1 variant allele.
Comment: PM2_supporting, PM3_supporting, PVS1

Revvity Omics, Revvity
Classification: Pathogenic for Dubin-Johnson syndrome. Last evaluated: 2019-07-29. Review status: criteria provided, single submitter. Criteria: ACMG Guidelines, 2015. Collection method: clinical testing. Allele origin: germline.

Eurofins Ntd Llc (ga)
Classification: Pathogenic. Last evaluated: 2017-11-20. Review status: criteria provided, single submitter. Criteria: EGL Classification Definitions 2015. Collection method: clinical testing. Allele origin: germline. Observed: 1 variant allele, 1 heterozygote.

PreventionGenetics, part of Exact Sciences
Classification: Pathogenic for ABCC2-related condition. Last evaluated: 2024-05-31. Review status: no assertion criteria provided. Collection method: clinical testing. Allele origin: germline. Not counted in ClinVar's aggregate classification.
Comment: The ABCC2 c.3741+1G>T variant is predicted to disrupt the GT donor site and interfere with normal splicing. This variant has been reported along with another ABCC2 variant in an individual with Dubin-Johnson syndrome (Corpechot et al. 2019. PubMed ID: 31544333). This variant is reported in 0.010% of alleles in individuals of European (Non-Finnish) descent in gnomAD. Variants that disrupt the consensus splice donor site in ABCC2 are expected to be pathogenic. Given the evidence, we interpret c.3741+1G>T as pathogenic.

Literature cited by the submitters: PubMed 16199547 (cited by Labcorp Genetics (formerly Invitae), Labcorp); PubMed 9185779 (cited by Labcorp Genetics (formerly Invitae), Labcorp); PubMed 16549534 (cited by Labcorp Genetics (formerly Invitae), Labcorp); PubMed 16952291 (cited by Labcorp Genetics (formerly Invitae), Labcorp); PubMed 31544333 (cited by Labcorp Genetics (formerly Invitae), Labcorp and Mayo Clinic Laboratories, Mayo Clinic).

NM_000392.5(ABCC2):c.3741+1G>T

Gene: ABCC2 (ATP binding cassette subfamily C member 2; plus strand). Cytogenetic location: 10q24.2.
Variant type: single nucleotide variant.
Coding change: c.3741+1G>T on transcript NM_000392.5 (MANE Select); the canonical splice donor site of the intron after coding-DNA position 3741, G replaced by T.
Molecular consequence: splice donor variant.
Genome position (GRCh38, 1-based): chr10:99,842,094, G>T. VCF-style: chr10-99842094-G-T. GRCh37 (hg19) VCF-style: chr10-101601851-G-T.
Other names: c.3741+1G>T (NM_000392.4).
Identifiers: ClinVar variation 595090 (VCV000595090.15), dbSNP rs34937870, ClinGen allele CA5643923.
Genomic context (GRCh38, chr10:99,842,094, plus strand): 5'-ATTTATAGAGATACCCTAAGTGGGGACACTGTTGGCTTTGTTCTGTCCAATGCACTCAAT[G>T]TGAGTTTGAAGGTTGGGAGTTTGGTTTCGTTAGTGTGCTTATTCTTAAATTAAGCCTGAT-3'